The following is an entry in ClinVar:

ClinVar aggregate classification (germline): Uncertain significance. Review status: criteria provided, multiple submitters, no conflicts (2 of 4 stars). 2 submissions from 2 submitters: Uncertain significance (2). Last evaluated 2026-02-01.

Conditions:
Inborn genetic diseases. Identifiers: MedGen C0950123, MeSH D030342.

Allele frequency attached by ClinVar (database versions not stated): TOPMed below 0.00001; gnomAD exomes 0.00001; ExAC 0.00002; gnomAD 0.00002.

Submissions (2):

CeGaT Center for Human Genetics Tuebingen
Classification: Uncertain significance. Last evaluated: 2026-02-01. Review status: criteria provided, single submitter. Criteria: CeGaT Center For Human Genetics Tuebingen Variant Classification Criteria Version 2. Collection method: clinical testing. Allele origin: germline. Affected: yes. Observed: 1 variant allele.
Comment: HARS2: PM2:Supporting

Ambry Genetics
Classification: Uncertain significance for Inborn genetic diseases. Last evaluated: 2023-10-10. Review status: criteria provided, single submitter. Criteria: Ambry Variant Classification Scheme 2023. Collection method: clinical testing. Allele origin: germline.

NM_012208.4(HARS2):c.425T>C (p.Met142Thr)

Gene: HARS2 (histidyl-tRNA synthetase 2, mitochondrial; plus strand). Cytogenetic location: 5q31.3.
Variant type: single nucleotide variant.
Coding change: c.425T>C on transcript NM_012208.4 (MANE Select); coding-DNA position 425, T replaced by C.
Protein change: p.Met142Thr; replaces methionine 142 with threonine.
Molecular consequence: missense variant. On other transcripts: intron variant (1).
Genome position (GRCh38, 1-based): chr5:140,695,533, T>C. VCF-style: chr5-140695533-T-C. GRCh37 (hg19) VCF-style: chr5-140075118-T-C.
Other names: c.350T>C, p.Met117Thr (NM_001278731.2); c.443T>C, p.Met148Thr (NM_001363535.2); c.215T>C, p.Met72Thr (NM_001363536.2); c.94-205T>C (NM_001278732.2); short protein forms M117T, M72T, M142T, M148T.
Identifiers: ClinVar variation 3104246 (VCV003104246.5), dbSNP rs753176714, ClinGen allele CA3444427.